The following is an entry in ClinVar:

ClinVar aggregate classification (germline): Uncertain significance. Review status: criteria provided, multiple submitters, no conflicts (2 of 4 stars). 2 submissions from 2 submitters: Uncertain significance (2). Last evaluated 2024-06-14.

Allele frequency attached by ClinVar (database versions not stated): ExAC 0.00001; gnomAD exomes 0.00001; TOPMed 0.00001; ESP Exome Variant Server 0.00008.
gnomAD v4.1: 8 of 1,613,744 alleles (0.0005%); highest among the groups gnomAD compares: East Asian, 0.0022%; no homozygotes.

Submissions (2):

Mayo Clinic Laboratories, Mayo Clinic
Classification: Uncertain significance. Last evaluated: 2024-06-14. Review status: criteria provided, single submitter. Criteria: ACMG Guidelines, 2015. Collection method: clinical testing. Allele origin: germline. Observed: 1 variant allele.
Comment: BP4_strong

Labcorp Genetics (formerly Invitae), Labcorp
Classification: Uncertain significance. Last evaluated: 2022-06-03. Review status: criteria provided, single submitter. Criteria: Invitae Variant Classification Sherloc (09022015). Collection method: clinical testing. Allele origin: germline.
Comment: Algorithms developed to predict the effect of missense changes on protein structure and function output the following: SIFT: "Tolerated"; PolyPhen-2: "Benign"; Align-GVGD: "Class C0". The valine amino acid residue is found in multiple mammalian species, which suggests that this missense change does not adversely affect protein function. In summary, the available evidence is currently insufficient to determine the role of this variant in disease. Therefore, it has been classified as a Variant of Uncertain Significance. This variant has not been reported in the literature in individuals affected with SEC63-related conditions. This variant is present in population databases (rs373349983, gnomAD 0.007%). This sequence change replaces isoleucine, which is neutral and non-polar, with valine, which is neutral and non-polar, at codon 733 of the SEC63 protein (p.Ile733Val).

NM_007214.5(SEC63):c.2197A>G (p.Ile733Val)

Gene: SEC63 (SEC63 protein translocation regulator; minus strand). Cytogenetic location: 6q21.
Variant type: single nucleotide variant.
Coding change: c.2197A>G on transcript NM_007214.5 (MANE Select); coding-DNA position 2197, A replaced by G.
Protein change: p.Ile733Val; replaces isoleucine 733 with valine.
Molecular consequence: missense variant.
Genome position (GRCh38, 1-based): chr6:107,871,790, T>C on the plus strand (A>G on the coding strand, the complement: SEC63 is on the minus strand). VCF-style: chr6-107871790-T-C. GRCh37 (hg19) VCF-style: chr6-108192994-T-C.
Other names: p.Ile733Val; short protein forms I733V.
Identifiers: ClinVar variation 2083965 (VCV002083965.5), dbSNP rs373349983, ClinGen allele CA3947132.